The following is an entry in ClinVar:

ClinVar aggregate classification (germline): Uncertain significance (1 of 4 stars; one submission).

Conditions:
Cardiomyopathy (CMYO). Also called: Cardiomyopathies. Identifiers: Orphanet 167848, MedGen C0878544, MONDO:0004994, HP:0001638. Inheritance: Various modes of inheritance.

Submission:

Color Diagnostics, LLC DBA Color Health
Classification: Uncertain significance for Cardiomyopathy. Last evaluated: 2022-11-21. Review status: criteria provided, single submitter. Criteria: ACMG Guidelines, 2015. Collection method: clinical testing. Allele origin: germline.
Comment: This missense variant replaces threonine with isoleucine at codon 1232 of the MYH7 protein. Computational prediction suggests that this variant may not impact protein structure and function (internally defined REVEL score threshold <= 0.5, PMID: 27666373). To our knowledge, functional studies have not been reported for this variant. This variant has not been reported in individuals affected with MYH7-related disorders in the literature. This variant has not been identified in the general population by the Genome Aggregation Database (gnomAD). The available evidence is insufficient to determine the role of this variant in disease conclusively. Therefore, this variant is classified as a Variant of Uncertain Significance.

NM_000257.4(MYH7):c.3695C>T (p.Thr1232Ile)

Gene: MYH7 (myosin heavy chain 7; minus strand). Cytogenetic location: 14q11.2.
Variant type: single nucleotide variant.
Coding change: c.3695C>T on transcript NM_000257.4 (MANE Select); coding-DNA position 3695, C replaced by T.
Protein change: p.Thr1232Ile; replaces threonine 1232 with isoleucine.
Molecular consequence: missense variant.
Genome position (GRCh38, 1-based): chr14:23,419,876, G>A on the plus strand (C>T on the coding strand, the complement: MYH7 is on the minus strand). VCF-style: chr14-23419876-G-A. GRCh37 (hg19) VCF-style: chr14-23889085-G-A.
Other names: c.3695C>T, p.Thr1232Ile (NM_001407004.1); short protein forms T1232I.
Identifiers: ClinVar variation 2773905 (VCV002773905.2), dbSNP rs2502263644, ClinGen allele CA389043002.